The following is an entry in ClinVar:

ClinVar aggregate classification (germline): Uncertain significance. Review status: criteria provided, multiple submitters, no conflicts (2 of 4 stars). 2 submissions from 2 submitters: Uncertain significance (2). Last evaluated 2026-08-27.

Conditions:
Cardiovascular phenotype. Identifiers: MedGen CN230736.
CACNB2-related disorder. Also called: CACNB2-related condition.

Allele frequency attached by ClinVar (database versions not stated): gnomAD 0.00001; ExAC 0.00003.
gnomAD v4.1: 23 of 1,613,786 alleles (0.0014%); highest among the groups gnomAD compares: Non-Finnish European, 0.0019%; no homozygotes.

Submissions (2):

PreventionGenetics, part of Exact Sciences
Classification: Uncertain significance for CACNB2-related condition. Last evaluated: 2026-08-27. Review status: criteria provided, single submitter. Criteria: ACMG Guidelines, 2015. Collection method: clinical testing. Allele origin: germline.
Comment: The CACNB2 c.1411G>A variant is predicted to result in the amino acid substitution p.Val471Ile. To our knowledge, this variant has not been reported in the literature. This variant is reported in 0.0054% of alleles in individuals of European (Non-Finnish) descent in gnomAD. At this time, the clinical significance of this variant is uncertain due to the absence of conclusive functional and genetic evidence.

Ambry Genetics
Classification: Uncertain significance for Cardiovascular phenotype. Last evaluated: 2021-08-19. Review status: criteria provided, single submitter. Criteria: Ambry Variant Classification Scheme 2023. Collection method: clinical testing. Allele origin: germline.
Comment: The p.V471I variant (also known as c.1411G>A), located in coding exon 13 of the CACNB2 gene, results from a G to A substitution at nucleotide position 1411. The valine at codon 471 is replaced by isoleucine, an amino acid with highly similar properties. This amino acid position is conserved. In addition, this alteration is predicted to be tolerated by in silico analysis. Since supporting evidence is limited at this time, the clinical significance of this alteration remains unclear.

NM_201596.3(CACNB2):c.1573G>A (p.Val525Ile)

Gene: CACNB2 (calcium voltage-gated channel auxiliary subunit beta 2; plus strand). Cytogenetic location: 10p12.31.
Variant type: single nucleotide variant.
Coding change: c.1573G>A on transcript NM_201596.3 (MANE Select); coding-DNA position 1573, G replaced by A.
Protein change: p.Val525Ile; replaces valine 525 with isoleucine.
Molecular consequence: missense variant.
Genome position (GRCh38, 1-based): chr10:18,539,314, G>A. VCF-style: chr10-18539314-G-A. GRCh37 (hg19) VCF-style: chr10-18828243-G-A.
Other names: c.1408G>A, p.Val470Ile (NM_000724.4); c.1375G>A, p.Val459Ile (NM_001167945.2); c.1294G>A, p.Val432Ile (NM_001330060.2); c.1315G>A, p.Val439Ile (NM_001410882.1); c.1429G>A, p.Val477Ile (NM_201570.3); c.1489G>A, p.Val497Ile (NM_201571.4); c.1417G>A, p.Val473Ile (NM_201572.4); c.1411G>A, p.Val471Ile (NM_201590.3); and 2 more; short protein forms V470I, V473I, V487I, V501I, V497I, V525I, V439I, V459I.
Identifiers: ClinVar variation 1772048 (VCV001772048.3), dbSNP rs778403888, ClinGen allele CA5430099.